The following is an entry in ClinVar:

ClinVar aggregate classification (germline): Likely pathogenic (1 of 4 stars; one submission).

Conditions:
Joubert syndrome and related disorders. Identifiers: Orphanet 140874, MedGen C5679612, MONDO:0015369.

Submission:

Women's Health and Genetics/Laboratory Corporation of America, LabCorp
Classification: Likely pathogenic for Joubert syndrome and related disorders. Last evaluated: 2023-03-22. Review status: criteria provided, single submitter. Criteria: LabCorp Variant Classification Summary - May 2015. Collection method: clinical testing. Allele origin: germline.
Comment: Variant summary: The variant identified by MLPA or other technology involves the duplication of exons 21-50 in the CPLANE1 gene. A presumed nomenclature of c.(3672+1_3673-1)_(9238+1_9239-1)dup has been designated for the purposes of this classification. It has been assumed that this is a tandem duplication in direct orientation (Richardson_GIM_2018, Newman_AJHG_2015). Although exact breakpoints of this duplication are not known, it is expected to result in a frameshift in the CPLANE1 gene. The variant was absent in 21694 control chromosomes (gnomAD database, Structural Variants Dataset). To our knowledge, no occurrence of c.(3672+1_3673-1)_(9238+1_9239-1)dup in individuals affected with Joubert Syndrome And Related Disorders and no experimental evidence demonstrating its impact on protein function have been reported. No clinical diagnostic laboratories have submitted clinical-significance assessments for this variant to ClinVar after 2014. Based on the evidence outlined above, the variant was classified as likely pathogenic.

NC_000005.9:g.(37108574_37115061)_(37196099_37198803)dup

Gene: CPLANE1 (ciliogenesis and planar polarity effector complex subunit 1; minus strand). Cytogenetic location: 5p13.2.
Variant type: Duplication.
Identifiers: ClinVar variation 2501248 (VCV002501248.1).